The following is an entry in ClinVar:

NM_025233.7(COASY):c.211C>T (p.Leu71Phe)

Gene: COASY (Coenzyme A synthase; plus strand). Cytogenetic location: 17q21.2.
Variant type: single nucleotide variant.
Coding change: c.211C>T on transcript NM_025233.7 (MANE Select); coding-DNA position 211, C replaced by T.
Protein change: p.Leu71Phe; replaces leucine 71 with phenylalanine.
Molecular consequence: missense variant.
Genome position (GRCh38, 1-based): chr17:42,562,833, C>T. VCF-style: chr17-42562833-C-T. GRCh37 (hg19) VCF-style: chr17-40714851-C-T.
Other names: c.211C>T (NM_025233.6); c.211C>T, p.Leu71Phe (NM_001042529.3); c.298C>T, p.Leu100Phe (NM_001042532.4); short protein forms L71F, L100F.
Identifiers: ClinVar variation 1356970 (VCV001356970.5), dbSNP rs141350621, ClinGen allele CA8577942.

ClinVar aggregate classification (germline): Uncertain significance. Review status: criteria provided, multiple submitters, no conflicts (2 of 4 stars). 3 submissions from 3 submitters: Uncertain significance (3). Last evaluated 2025-03-11.

Conditions:
Neurodegeneration with brain iron accumulation 6 (NBIA6). Also called: COASY protein-associated neurodegeneration. Identifiers: Orphanet 397725, MedGen C4517377, MONDO:0014290, OMIM 615643.

Allele frequency attached by ClinVar (database versions not stated): ESP Exome Variant Server 0.00023.

Submissions (3):

GeneDx
Classification: Uncertain significance. Last evaluated: 2025-03-11. Review status: criteria provided, single submitter. Criteria: GeneDx Variant Classification Process June 2021. Collection method: clinical testing. Allele origin: germline. Affected: yes.
Comment: In silico analysis indicates that this missense variant does not alter protein structure/function; Has not been previously published as pathogenic or benign to our knowledge

Blueprint Genetics
Classification: Uncertain significance. Last evaluated: 2024-05-28. Review status: criteria provided, single submitter. Criteria: ACMG Guidelines, 2015. Collection method: clinical testing. Allele origin: germline.

Labcorp Genetics (formerly Invitae), Labcorp
Classification: Uncertain significance for Neurodegeneration with brain iron accumulation 6. Last evaluated: 2022-05-27. Review status: criteria provided, single submitter. Criteria: Invitae Variant Classification Sherloc (09022015). Collection method: clinical testing. Allele origin: germline.
Comment: This sequence change replaces leucine, which is neutral and non-polar, with phenylalanine, which is neutral and non-polar, at codon 71 of the COASY protein (p.Leu71Phe). This variant is present in population databases (rs141350621, gnomAD 0.02%). This variant has not been reported in the literature in individuals affected with COASY-related conditions. Algorithms developed to predict the effect of missense changes on protein structure and function output the following: SIFT: "Deleterious"; PolyPhen-2: "Benign"; Align-GVGD: "Class C0". The phenylalanine amino acid residue is found in multiple mammalian species, which suggests that this missense change does not adversely affect protein function. In summary, the available evidence is currently insufficient to determine the role of this variant in disease. Therefore, it has been classified as a Variant of Uncertain Significance.